The following is an entry in ClinVar:

NM_005050.4(ABCD4):c.519C>T (p.Tyr173=)

Gene: ABCD4 (ATP binding cassette subfamily D member 4; minus strand). Cytogenetic location: 14q24.3.
Variant type: single nucleotide variant.
Coding change: c.519C>T on transcript NM_005050.4 (MANE Select); coding-DNA position 519, C replaced by T.
Protein change: p.Tyr173=; no amino-acid change (tyrosine 173 retained).
Molecular consequence: synonymous variant. On other transcripts: missense variant (3), 5 prime UTR variant (9), non-coding transcript variant (10).
Genome position (GRCh38, 1-based): chr14:74,296,356, G>A on the plus strand (C>T on the coding strand, the complement: ABCD4 is on the minus strand). VCF-style: chr14-74296356-G-A. GRCh37 (hg19) VCF-style: chr14-74763059-G-A.
Other names: c.519C>T, p.Tyr173= (NM_001353591.2, NM_001353592.2, NM_020325.3); c.258C>T, p.Tyr86= (NM_001353593.2, NM_001353594.2); c.110C>T, p.Thr37Ile (NM_001353595.2, NM_001353596.2, NM_001353597.2); c.42C>T, p.Tyr14= (NM_001353598.2, NM_001353599.2, NM_001353600.2 and 2 more transcripts); c.-171C>T (NM_001353602.2, NM_001353608.2); c.-176C>T (NM_001353603.2, NM_001353604.2, NM_001353605.2 and 4 more transcripts); c.390C>T, p.Tyr130= (NM_020323.1); short protein forms T37I.
Identifiers: ClinVar variation 3234611 (VCV003234611.20), dbSNP rs1229164167, ClinGen allele CA487154111.

ClinVar aggregate classification (germline): Likely benign (1 of 4 stars; one submission).

gnomAD v4.1: 2 of 1,614,218 alleles (0.00012%); highest among the groups gnomAD compares: Middle Eastern, 0.017%; no homozygotes.

Submission:

CeGaT Center for Human Genetics Tuebingen
Classification: Likely benign. Last evaluated: 2024-04-01. Review status: criteria provided, single submitter. Criteria: CeGaT Center For Human Genetics Tuebingen Variant Classification Criteria Version 2. Collection method: clinical testing. Allele origin: germline. Affected: yes. Observed: 1 variant allele.
Comment: ABCD4: PM2:Supporting, BP4, BP7